The following is an entry in ClinVar:

NM_001378328.1(CELSR1):c.4960G>T (p.Asp1654Tyr)

Gene: CELSR1 (cadherin EGF LAG seven-pass G-type receptor 1; minus strand). Cytogenetic location: 22q13.31.
Variant type: single nucleotide variant.
Coding change: c.4960G>T on transcript NM_001378328.1 (MANE Select); coding-DNA position 4960, G replaced by T.
Protein change: p.Asp1654Tyr; replaces aspartic acid 1654 with tyrosine.
Molecular consequence: missense variant.
Genome position (GRCh38, 1-based): chr22:46,409,854, C>A on the plus strand (G>T on the coding strand, the complement: CELSR1 is on the minus strand). VCF-style: chr22-46409854-C-A. GRCh37 (hg19) VCF-style: chr22-46805751-C-A.
Other names: c.4960G>T, p.Asp1654Tyr (NM_014246.4); short protein forms D1654Y.
Identifiers: ClinVar variation 4974623 (VCV004974623.1).

ClinVar aggregate classification (germline): Uncertain significance (1 of 4 stars; one submission).

Conditions:
Lymphatic malformation 9. Identifiers: MedGen C5543365, MONDO:0030270, OMIM 619319.

gnomAD v4.1: 5 of 1,613,598 alleles (0.00031%); highest among the groups gnomAD compares: African/African-American, 0.0027%; no homozygotes.

Submission:

Clinical Genomics Laboratory, Washington University in St. Louis
Classification: Uncertain significance for Lymphatic malformation 9. Last evaluated: 2026-02-18. Review status: criteria provided, single submitter. Criteria: ACMG Guidelines, 2015. Collection method: clinical testing. Allele origin: germline.
Comment: A CELSR1 c.4960G>T (p.Asp1654Tyr) variant was identified at a near heterozygous allelic fraction of 48.5%, a frequency which may be consistent with germline origin. This variant, to our knowledge, has not been reported in the medical literature or in the ClinVar database. It is only observed on 5/1,613,598 alleles in the general population (gnomAD v4.1.0), indicating it is not a common variant. Computational predictors are uncertain as to the impact of this variant on CELSR1 function. Due to limited information, and based on ACMG/AMP guidelines for variant interpretation (Richards S et al., PMID: 25741868), the clinical significance of this variant is uncertain at this time.